The following is an entry in ClinVar:

ClinVar aggregate classification (germline): Uncertain significance (1 of 4 stars; one submission).

Conditions:
Hypertrophic cardiomyopathy 19. Also called: Familial hypertrophic cardiomyopathy 19. Identifiers: MedGen CN077603, MONDO:0013476.

Submission:

Labcorp Genetics (formerly Invitae), Labcorp
Classification: Uncertain significance for Hypertrophic cardiomyopathy 19. Last evaluated: 2024-02-23. Review status: criteria provided, single submitter. Criteria: Invitae Variant Classification Sherloc (09022015). Collection method: clinical testing. Allele origin: germline.
Comment: This sequence change replaces isoleucine, which is neutral and non-polar, with valine, which is neutral and non-polar, at codon 141 of the CALR3 protein (p.Ile141Val). This variant is not present in population databases (gnomAD no frequency). This variant has not been reported in the literature in individuals affected with CALR3-related conditions. ClinVar contains an entry for this variant (Variation ID: 1465883). Advanced modeling of protein sequence and biophysical properties (such as structural, functional, and spatial information, amino acid conservation, physicochemical variation, residue mobility, and thermodynamic stability) performed at Invitae indicates that this missense variant is not expected to disrupt CALR3 protein function with a negative predictive value of 80%. In summary, the available evidence is currently insufficient to determine the role of this variant in disease. Therefore, it has been classified as a Variant of Uncertain Significance.

NM_145046.5(CALR3):c.421A>G (p.Ile141Val)

Gene: CALR3 (calreticulin 3; minus strand). Cytogenetic location: 19p13.11.
Variant type: single nucleotide variant.
Coding change: c.421A>G on transcript NM_145046.5 (MANE Select); coding-DNA position 421, A replaced by G.
Protein change: p.Ile141Val; replaces isoleucine 141 with valine.
Molecular consequence: missense variant.
Genome position (GRCh38, 1-based): chr19:16,485,234, T>C on the plus strand (A>G on the coding strand, the complement: CALR3 is on the minus strand). VCF-style: chr19-16485234-T-C. GRCh37 (hg19) VCF-style: chr19-16596045-T-C.
Other names: short protein forms I141V.
Identifiers: ClinVar variation 1465883 (VCV001465883.6), dbSNP rs2122133603, ClinGen allele CA404610782.